The following is an entry in ClinVar:

NM_014141.6(CNTNAP2):c.1300C>T (p.His434Tyr)

Gene: CNTNAP2 (contactin associated protein 2; plus strand). Cytogenetic location: 7q35.
Variant type: single nucleotide variant.
Coding change: c.1300C>T on transcript NM_014141.6 (MANE Select); coding-DNA position 1300, C replaced by T.
Protein change: p.His434Tyr; replaces histidine 434 with tyrosine.
Molecular consequence: missense variant.
Genome position (GRCh38, 1-based): chr7:147,132,461, C>T. VCF-style: chr7-147132461-C-T. GRCh37 (hg19) VCF-style: chr7-146829553-C-T.
Other names: short protein forms H434Y.
Identifiers: ClinVar variation 1001556 (VCV001001556.8), dbSNP rs1186551916, ClinGen allele CA369924908.

ClinVar aggregate classification (germline): Uncertain significance (1 of 4 stars; one submission).

Conditions:
Cortical dysplasia-focal epilepsy syndrome (PTHSL1). Also called: Pitt-Hopkins-like syndrome 1. Identifiers: Orphanet 163681, Orphanet 221150, MedGen C2750246, MONDO:0012400, OMIM 610042.

Allele frequency attached by ClinVar (database versions not stated): gnomAD exomes below 0.00001; TOPMed below 0.00001; gnomAD 0.00001.
gnomAD v4.1: 5 of 1,613,532 alleles (0.00031%); highest among the groups gnomAD compares: African/African-American, 0.0013%; 1 homozygote.

Submission:

Labcorp Genetics (formerly Invitae), Labcorp
Classification: Uncertain significance for Cortical dysplasia-focal epilepsy syndrome. Last evaluated: 2021-09-01. Review status: criteria provided, single submitter. Criteria: Invitae Variant Classification Sherloc (09022015). Collection method: clinical testing. Allele origin: germline.
Comment: This sequence change replaces histidine with tyrosine at codon 434 of the CNTNAP2 protein (p.His434Tyr). The histidine residue is weakly conserved and there is a moderate physicochemical difference between histidine and tyrosine. This variant is not present in population databases (ExAC no frequency). This variant has not been reported in the literature in individuals affected with CNTNAP2-related conditions. Algorithms developed to predict the effect of missense changes on protein structure and function (SIFT, PolyPhen-2, Align-GVGD) all suggest that this variant is likely to be tolerated. In summary, the available evidence is currently insufficient to determine the role of this variant in disease. Therefore, it has been classified as a Variant of Uncertain Significance.